The following is an entry in ClinVar:

ClinVar aggregate classification (germline): Uncertain significance (1 of 4 stars; one submission).

Conditions:
Congenital hyperammonemia, type I. Also called: Carbamoyl phosphate synthetase 1 deficiency; Hyperammonemia due to carbamoyl phosphate synthetase 1 deficiency; CPS 1 deficiency; Carbamyl phosphate synthetase (CPS) deficiency; Carbamoyl-phosphate synthase I deficiency; Carbamoyl phosphate synthetase I deficiency disease. Identifiers: Orphanet 147, MedGen C4082171, MONDO:0009376, OMIM 237300.

Allele frequency attached by ClinVar (database versions not stated): gnomAD 0.00001; gnomAD exomes 0.00001; TOPMed 0.00001; ExAC 0.00002.

Submission:

Labcorp Genetics (formerly Invitae), Labcorp
Classification: Uncertain significance for Congenital hyperammonemia, type I. Last evaluated: 2022-06-13. Review status: criteria provided, single submitter. Criteria: Invitae Variant Classification Sherloc (09022015). Collection method: clinical testing. Allele origin: germline.
Comment: This sequence change replaces arginine, which is basic and polar, with glutamine, which is neutral and polar, at codon 638 of the CPS1 protein (p.Arg638Gln). This variant is present in population databases (rs757205958, gnomAD 0.007%). This variant has not been reported in the literature in individuals affected with CPS1-related conditions. Algorithms developed to predict the effect of missense changes on protein structure and function are either unavailable or do not agree on the potential impact of this missense change (SIFT: "Deleterious"; PolyPhen-2: "Probably Damaging"; Align-GVGD: "Class C0"). In summary, the available evidence is currently insufficient to determine the role of this variant in disease. Therefore, it has been classified as a Variant of Uncertain Significance.

NM_001875.5(CPS1):c.1913G>A (p.Arg638Gln)

Gene: CPS1 (carbamoyl-phosphate synthase 1; plus strand). Cytogenetic location: 2q34.
Variant type: single nucleotide variant.
Coding change: c.1913G>A on transcript NM_001875.5 (MANE Select); coding-DNA position 1913, G replaced by A.
Protein change: p.Arg638Gln; replaces arginine 638 with glutamine.
Molecular consequence: missense variant. On other transcripts: non-coding transcript variant (2).
Genome position (GRCh38, 1-based): chr2:210,605,178, G>A. VCF-style: chr2-210605178-G-A. GRCh37 (hg19) VCF-style: chr2-211469902-G-A.
Other names: c.1913G>A, p.Arg638Gln (NM_001122633.3, NM_001369257.1); c.1946G>A, p.Arg649Gln (NM_001369256.1); short protein forms R638Q, R649Q.
Identifiers: ClinVar variation 2174307 (VCV002174307.1), dbSNP rs757205958, ClinGen allele CA2086499.